The following is an entry in ClinVar:

NM_198578.4(LRRK2):c.6463A>G (p.Met2155Val)

Gene: LRRK2 (leucine rich repeat kinase 2; plus strand). Cytogenetic location: 12q12.
Variant type: single nucleotide variant.
Coding change: c.6463A>G on transcript NM_198578.4 (MANE Select); coding-DNA position 6463, A replaced by G.
Protein change: p.Met2155Val; replaces methionine 2155 with valine.
Molecular consequence: missense variant.
Genome position (GRCh38, 1-based): chr12:40,351,620, A>G. VCF-style: chr12-40351620-A-G. GRCh37 (hg19) VCF-style: chr12-40745422-A-G.
Other names: c.6463A>G (NM_198578.3); short protein forms M2155V.
Identifiers: ClinVar variation 2723709 (VCV002723709.4), dbSNP rs201614703, ClinGen allele CA6514697.

ClinVar aggregate classification (germline): Uncertain significance. Review status: criteria provided, multiple submitters, no conflicts (2 of 4 stars). 2 submissions from 2 submitters: Uncertain significance (2). Last evaluated 2024-05-20.

Conditions:
Autosomal dominant Parkinson disease 8. Also called: Parkinson disease 8, susceptibility to; LRRK2-Related Parkinson Disease; Parkinson disease 8. Identifiers: Orphanet 411602, MedGen C1846862, MONDO:0011764, OMIM 607060.

Allele frequency attached by ClinVar (database versions not stated): ExAC 0.00002.
gnomAD v4.1: 13 of 1,614,108 alleles (0.00081%); highest among the groups gnomAD compares: Non-Finnish European, 0.0011%; no homozygotes.

Submissions (2):

Labcorp Genetics (formerly Invitae), Labcorp
Classification: Uncertain significance for Autosomal dominant Parkinson disease 8. Last evaluated: 2024-05-20. Review status: criteria provided, single submitter. Criteria: Invitae Variant Classification Sherloc (09022015). Collection method: clinical testing. Allele origin: germline.
Comment: This sequence change replaces methionine, which is neutral and non-polar, with valine, which is neutral and non-polar, at codon 2155 of the LRRK2 protein (p.Met2155Val). This variant is present in population databases (rs201614703, gnomAD 0.002%). This variant has not been reported in the literature in individuals affected with LRRK2-related conditions. Advanced modeling of protein sequence and biophysical properties (such as structural, functional, and spatial information, amino acid conservation, physicochemical variation, residue mobility, and thermodynamic stability) has been performed at Invitae for this missense variant, however the output from this modeling did not meet the statistical confidence thresholds required to predict the impact of this variant on LRRK2 protein function. In summary, the available evidence is currently insufficient to determine the role of this variant in disease. Therefore, it has been classified as a Variant of Uncertain Significance.

GeneDx
Classification: Uncertain significance. Last evaluated: 2023-06-24. Review status: criteria provided, single submitter. Criteria: GeneDx Variant Classification Process June 2021. Collection method: clinical testing. Allele origin: germline. Affected: yes.
Comment: Not observed at significant frequency in large population cohorts (gnomAD); In silico analysis supports that this missense variant does not alter protein structure/function; Has not been previously published as pathogenic or benign to our knowledge